The following is an entry in ClinVar:

NM_017633.3(TENT5A):c.82G>A (p.Gly28Ser)

Gene: TENT5A (terminal nucleotidyltransferase 5A; minus strand). Cytogenetic location: 6q14.1.
Variant type: single nucleotide variant.
Coding change: c.82G>A on transcript NM_017633.3 (MANE Select); coding-DNA position 82, G replaced by A.
Protein change: p.Gly28Ser; replaces glycine 28 with serine.
Molecular consequence: missense variant.
Genome position (GRCh38, 1-based): chr6:81,752,060, C>T on the plus strand (G>A on the coding strand, the complement: TENT5A is on the minus strand). VCF-style: chr6-81752060-C-T. GRCh37 (hg19) VCF-style: chr6-82461777-C-T.
Other names: short protein forms G28S.
Identifiers: ClinVar variation 3346529 (VCV003346529.1).

ClinVar aggregate classification (germline): Uncertain significance (0 of 4 stars; one submission).

Conditions:
TENT5A-related disorder. Also called: TENT5A-related condition.

Submission:

PreventionGenetics, part of Exact Sciences
Classification: Uncertain significance for TENT5A-related condition. Last evaluated: 2024-07-29. Review status: no assertion criteria provided. Collection method: clinical testing. Allele origin: germline.
Comment: The TENT5A c.82G>A variant is predicted to result in the amino acid substitution p.Gly28Ser. To our knowledge, this variant has not been reported in the literature or in a large population database, indicating this variant is rare. At this time, the clinical significance of this variant is uncertain due to the absence of conclusive functional and genetic evidence.